The following is an entry in ClinVar:

NM_001394062.1(MACF1):c.18710T>C (p.Leu6237Pro)

Gene: MACF1 (microtubule actin crosslinking factor 1; plus strand). Cytogenetic location: 1p34.3.
Variant type: single nucleotide variant.
Coding change: c.18710T>C on transcript NM_001394062.1 (MANE Select); coding-DNA position 18710, T replaced by C.
Protein change: p.Leu6237Pro; replaces leucine 6237 with proline.
Molecular consequence: missense variant.
Genome position (GRCh38, 1-based): chr1:39,441,989, T>C. VCF-style: chr1-39441989-T-C. GRCh37 (hg19) VCF-style: chr1-39907661-T-C.
Other names: c.6788T>C, p.Leu2263Pro (NM_001397473.1); c.12533T>C, p.Leu4178Pro (NM_012090.5); short protein forms L2263P, L4178P, L6237P.
Identifiers: ClinVar variation 2579828 (VCV002579828.4), dbSNP rs1190655274, ClinGen allele CA339811309.
Genomic context (GRCh38, chr1:39,441,989, plus strand): 5'-TGTTTACTTGTCTTTTGTTCTAGGCTATGTTTGACTGGCTAGATAACACTGTGATTAAAC[T>C]CTGCACCATGCCCCCTGTTGGCACTGACCTCAATACTGTTAAAGATCAGTTAAATGAAAT-3'
Protein context (NP_001380991.1, residues 6227-6247): FDWLDNTVIK[Leu6237Pro]CTMPPVGTDL

ClinVar aggregate classification (germline): Conflicting classifications of pathogenicity. Review status: criteria provided, conflicting classifications (1 of 4 stars). 2 submissions from 2 submitters: Uncertain significance (1); Likely benign (1). Last evaluated 2024-12-16.

Submissions (2):

Labcorp Genetics (formerly Invitae), Labcorp
Classification: Likely benign. Last evaluated: 2024-12-16. Review status: criteria provided, single submitter. Criteria: Invitae Variant Classification Sherloc (09022015). Collection method: clinical testing. Allele origin: germline.

GeneDx
Classification: Uncertain significance. Last evaluated: 2023-03-16. Review status: criteria provided, single submitter. Criteria: GeneDx Variant Classification Process June 2021. Collection method: clinical testing. Allele origin: germline. Affected: yes.
Comment: In silico analysis supports that this missense variant has a deleterious effect on protein structure/function; Has not been previously published as pathogenic or benign to our knowledge